The following is an entry in ClinVar:

ClinVar aggregate classification (germline): Pathogenic (1 of 4 stars; one submission).

Conditions:
Hereditary cancer-predisposing syndrome. Also called: Tumor predisposition; Hereditary Cancer Syndrome; Hereditary neoplastic syndrome; Neoplastic Syndromes, Hereditary. Identifiers: Orphanet 140162, MedGen C0027672, MeSH D009386, MONDO:0015356.

Submissions (2):

Ambry Genetics
Classification: Pathogenic for Hereditary cancer-predisposing syndrome. Last evaluated: 2017-09-21. Review status: criteria provided, single submitter. Criteria: Ambry Variant Classification Scheme 2023. Collection method: clinical testing. Allele origin: germline.
Comment: The c.1603-2A>C intronic pathogenic mutation results from an A to C substitution two nucleotides upstream from coding exon 12 in the PTCH1 gene. This nucleotide position is highly conserved in available vertebrate species. Using the BDGP and ESEfinder splice site prediction tools, this alteration is predicted to abolish the native splice donor site; however, direct evidence is unavailable. In addition to the clinical data presented in the literature, alterations that disrupt the canonical splice site are expected to cause aberrant splicing, resulting in an abnormal protein or a transcript that is subject to nonsense-mediated mRNA decay. As such, this alteration is classified as a disease-causing mutation.

Dr. Peter K. Rogan Lab, Western University
No classification provided (evidence only). Condition: Mesothelioma. Review status: no classification provided. Collection method: in vitro. Allele origin: not applicable. Functional consequence: retained intron. Not counted in ClinVar's aggregate classification.

Literature cited by the submitters: PubMed 24814739 (cited by Ambry Genetics).

NM_000264.5(PTCH1):c.1603-2A>C

Gene: PTCH1 (patched 1; minus strand). Cytogenetic location: 9q22.32.
Variant type: single nucleotide variant.
Coding change: c.1603-2A>C on transcript NM_000264.5 (MANE Select); the canonical splice acceptor site of the intron before coding-DNA position 1603, A replaced by C.
Molecular consequence: splice acceptor variant.
Genome position (GRCh38, 1-based): chr9:95,476,161, T>G on the plus strand (A>C on the coding strand, the complement: PTCH1 is on the minus strand). VCF-style: chr9-95476161-T-G. GRCh37 (hg19) VCF-style: chr9-98238443-T-G.
Other names: NC_000009.11:g.98238443T>G; c.1600-2A>C (NM_001083603.3); c.1405-2A>C (NM_001083602.3); c.1447-2A>C (NM_001354918.2); c.1150-2A>C (NM_001083605.3, NM_001083604.3, NM_001083606.3 and 1 more transcripts).
Identifiers: ClinVar variation 486220 (VCV000486220.6), dbSNP rs1064793921, ClinGen allele CA374118135.